The following is an entry in ClinVar:

ClinVar aggregate classification (germline): Conflicting classifications of pathogenicity. Review status: criteria provided, conflicting classifications (1 of 4 stars). 9 submissions from 8 submitters: Uncertain significance (1); Benign (5); Likely benign (3). Last evaluated 2026-09-01.

Conditions:
Inborn genetic diseases. Identifiers: MedGen C0950123, MeSH D030342.
EAST syndrome (SESAMES). Also called: SEIZURES, SENSORINEURAL DEAFNESS, ATAXIA, IMPAIRED INTELLECTUAL DEVELOPMENT, AND ELECTROLYTE IMBALANCE. Identifiers: Orphanet 199343, MedGen C2748572, MONDO:0013005, OMIM 612780.
Autosomal recessive nonsyndromic hearing loss 4 (DFNB4). Also called: Enlarged vestibular aqueduct, digenic; Deafness, autosomal recessive 4, with enlarged vestibular aqueduct; DEAFNESS, AUTOSOMAL RECESSIVE 4, WITH ENLARGED VESTIBULAR AQUEDUCT, DIGENIC; NEUROSENSORY NONSYNDROMIC RECESSIVE DEAFNESS 4; FOXI1-Related Pendred Syndrome; KCNJ10-Related Pendred Syndrome. Identifiers: Orphanet 90636, MedGen C3538946, MONDO:0010933, OMIM 600791.

Allele frequency attached by ClinVar (database versions not stated): 1000 Genomes Project 0.00160; 1000 Genomes Project 30x 0.00187; TOPMed 0.00316; gnomAD 0.00331 and 0.00339; gnomAD exomes 0.00388 and 0.00603; ExAC 0.00439; ESP Exome Variant Server 0.00469.
gnomAD v4.1: 9,193 of 1,614,038 alleles (0.57%); highest among the groups gnomAD compares: Non-Finnish European, 0.71%; 37 homozygotes.

Submissions (9):

CeGaT Center for Human Genetics Tuebingen
Classification: Likely benign. Last evaluated: 2026-09-01. Review status: criteria provided, single submitter. Criteria: CeGaT Center For Human Genetics Tuebingen Variant Classification Criteria Version 2. Collection method: clinical testing. Allele origin: germline. Affected: yes. Observed: 33 variant alleles.
Comment: KCNJ10: BP4, BP7, BS2

Labcorp Genetics (formerly Invitae), Labcorp
Classification: Benign for EAST syndrome. Last evaluated: 2026-02-02. Review status: criteria provided, single submitter. Criteria: Invitae Variant Classification Sherloc (09022015). Collection method: clinical testing. Allele origin: germline.

Mayo Clinic Laboratories, Mayo Clinic
Classification: Benign. Last evaluated: 2023-11-07. Review status: criteria provided, single submitter. Criteria: ACMG Guidelines, 2015. Collection method: clinical testing. Allele origin: germline. Observed: 15 variant alleles.
Comment: BS1, BS2, BP4, BP7

Illumina Laboratory Services, Illumina
Classification: Uncertain significance for Autosomal recessive nonsyndromic hearing loss 4. Last evaluated: 2018-01-12. Review status: criteria provided, single submitter. Criteria: ICSL Variant Classification Criteria 13 December 2019. Collection method: clinical testing. Allele origin: germline.

Illumina Laboratory Services, Illumina
Classification: Likely benign for EAST syndrome. Last evaluated: 2018-01-12. Review status: criteria provided, single submitter. Criteria: ICSL Variant Classification Criteria 13 December 2019. Collection method: clinical testing. Allele origin: germline.
Comment: This variant was observed in the ICSL laboratory as part of a predisposition screen in an ostensibly healthy population. It had not been previously curated by ICSL or reported in the Human Gene Mutation Database (HGMD: prior to June 1st, 2018), and was therefore a candidate for classification through an automated scoring system. Utilizing variant allele frequency, disease prevalence and penetrance estimates, and inheritance mode, an automated score was calculated to assess if this variant is too frequent to cause the disease. Based on the score and internal cut-off values, a variant classified as likely benign is not then subjected to further curation. The score for this variant resulted in a classification of likely benign for this disease.

Ambry Genetics
Classification: Likely benign for Inborn genetic diseases. Last evaluated: 2016-06-07. Review status: criteria provided, single submitter. Criteria: Ambry Variant Classification Scheme 2023. Collection method: clinical testing. Allele origin: germline.

Eurofins Ntd Llc (ga)
Classification: Benign. Last evaluated: 2015-08-28. Review status: criteria provided, single submitter. Criteria: EGL Classification Definitions 2015. Collection method: clinical testing. Allele origin: germline. Observed: 1 variant allele, 1 heterozygote.

GeneDx
Classification: Benign. Last evaluated: 2013-10-25. Review status: criteria provided, single submitter. Criteria: GeneDx Variant Classification (06012015). Collection method: clinical testing. Allele origin: germline. Affected: yes.
Comment: This variant is considered likely benign or benign based on one or more of the following criteria: it is a conservative change, it occurs at a poorly conserved position in the protein, it is predicted to be benign by multiple in silico algorithms, and/or has population frequency not consistent with disease.

PreventionGenetics, part of Exact Sciences
Classification: Benign. Review status: criteria provided, single submitter. Criteria: ACMG Guidelines, 2015. Collection method: clinical testing. Allele origin: germline.

NM_002241.5(KCNJ10):c.1092A>G (p.Gln364=)

Gene: KCNJ10 (potassium inwardly rectifying channel subfamily J member 10; minus strand). Cytogenetic location: 1q23.2.
Variant type: single nucleotide variant.
Coding change: c.1092A>G on transcript NM_002241.5 (MANE Select); coding-DNA position 1092, A replaced by G.
Protein change: p.Gln364=; no amino-acid change (glutamine 364 retained).
Molecular consequence: synonymous variant.
Genome position (GRCh38, 1-based): chr1:160,041,441, T>C on the plus strand (A>G on the coding strand, the complement: KCNJ10 is on the minus strand). VCF-style: chr1-160041441-T-C. GRCh37 (hg19) VCF-style: chr1-160011231-T-C.
Other names: p.Q364Q:CAA>CAG; p.Gln364=.
Identifiers: ClinVar variation 137981 (VCV000137981.60), dbSNP rs145588542, ClinGen allele CA291727.